The following is an entry in ClinVar:

ClinVar aggregate classification (germline): Benign/Likely benign. Review status: criteria provided, multiple submitters, no conflicts (2 of 4 stars). 3 submissions from 3 submitters: Benign (1); Likely benign (1). 1 of the submissions does not count toward it. Last evaluated 2023-03-01.

Conditions:
SHANK1-related disorder. Also called: SHANK1-related condition.

Allele frequency attached by ClinVar (database versions not stated): 1000 Genomes Project 30x 0.00078; 1000 Genomes Project 0.00100; ESP Exome Variant Server 0.00301; gnomAD exomes 0.00306 and 0.00515; gnomAD 0.00373 and 0.00377; TOPMed 0.00394; ExAC 0.00525.
gnomAD v4.1: 8,061 of 1,600,034 alleles (0.5%); highest among the groups gnomAD compares: Non-Finnish European, 0.61%; 26 homozygotes.

Submissions (3):

CeGaT Center for Human Genetics Tuebingen
Classification: Benign. Last evaluated: 2023-03-01. Review status: criteria provided, single submitter. Criteria: CeGaT Center For Human Genetics Tuebingen Variant Classification Criteria Version 2. Collection method: clinical testing. Allele origin: germline. Affected: yes. Observed: 5 variant alleles.
Comment: SHANK1: PP2, BS1, BS2

Labcorp Genetics (formerly Invitae), Labcorp
Classification: Likely benign. Last evaluated: 2019-02-08. Review status: criteria provided, single submitter. Criteria: Invitae Variant Classification Sherloc (09022015). Collection method: clinical testing. Allele origin: germline.

PreventionGenetics, part of Exact Sciences
Classification: Likely benign for SHANK1-related condition. Last evaluated: 2020-08-25. Review status: no assertion criteria provided. Collection method: clinical testing. Allele origin: germline. Not counted in ClinVar's aggregate classification.
Comment: This variant is classified as likely benign based on ACMG/AMP sequence variant interpretation guidelines (Richards et al. 2015 PMID: 25741868, with internal and published modifications).

NM_016148.5(SHANK1):c.5387G>A (p.Gly1796Glu)

Gene: SHANK1 (SH3 and multiple ankyrin repeat domains 1; minus strand). Cytogenetic location: 19q13.33.
Variant type: single nucleotide variant.
Coding change: c.5387G>A on transcript NM_016148.5 (MANE Select); coding-DNA position 5387, G replaced by A.
Protein change: p.Gly1796Glu; replaces glycine 1796 with glutamic acid.
Molecular consequence: missense variant.
Genome position (GRCh38, 1-based): chr19:50,666,573, C>T on the plus strand (G>A on the coding strand, the complement: SHANK1 is on the minus strand). VCF-style: chr19-50666573-C-T. GRCh37 (hg19) VCF-style: chr19-51169830-C-T.
Other names: short protein forms G1796E.
Identifiers: ClinVar variation 728412 (VCV000728412.28), dbSNP rs200473891, ClinGen allele CA9601037.